The following is an entry in ClinVar:

ClinVar aggregate classification (germline): Uncertain significance (1 of 4 stars; one submission).

Allele frequency attached by ClinVar (database versions not stated): ExAC 0.00001.

Submission:

Labcorp Genetics (formerly Invitae), Labcorp
Classification: Uncertain significance. Last evaluated: 2023-12-28. Review status: criteria provided, single submitter. Criteria: Invitae Variant Classification Sherloc (09022015). Collection method: clinical testing. Allele origin: germline.
Comment: This sequence change replaces methionine, which is neutral and non-polar, with isoleucine, which is neutral and non-polar, at codon 17 of the MS4A1 protein (p.Met17Ile). This variant is present in population databases (rs752311016, gnomAD 0.0009%). This variant has not been reported in the literature in individuals affected with MS4A1-related conditions. Algorithms developed to predict the effect of missense changes on protein structure and function output the following: SIFT: "Not Available"; PolyPhen-2: "Benign"; Align-GVGD: "Not Available". The isoleucine amino acid residue is found in multiple mammalian species, which suggests that this missense change does not adversely affect protein function. In summary, the available evidence is currently insufficient to determine the role of this variant in disease. Therefore, it has been classified as a Variant of Uncertain Significance.

NM_152866.3(MS4A1):c.51G>A (p.Met17Ile)

Gene: MS4A1 (membrane spanning 4-domains A1; plus strand). Cytogenetic location: 11q12.2.
Variant type: single nucleotide variant.
Coding change: c.51G>A on transcript NM_152866.3 (MANE Select); coding-DNA position 51, G replaced by A.
Protein change: p.Met17Ile; replaces methionine 17 with isoleucine.
Molecular consequence: missense variant.
Genome position (GRCh38, 1-based): chr11:60,462,425, G>A. VCF-style: chr11-60462425-G-A. GRCh37 (hg19) VCF-style: chr11-60229898-G-A.
Other names: c.51G>A, p.Met17Ile (NM_021950.4, NM_152867.2); short protein forms M17I.
Identifiers: ClinVar variation 2710154 (VCV002710154.3), dbSNP rs752311016, ClinGen allele CA6024857.